The following is an entry in ClinVar:

ClinVar aggregate classification (germline): Likely benign. Review status: criteria provided, multiple submitters, no conflicts (2 of 4 stars). 2 submissions from 2 submitters: Likely benign (2). Last evaluated 2018-06-14.

Allele frequency attached by ClinVar (database versions not stated): 1000 Genomes Project 30x 0.01593; 1000 Genomes Project 0.01617; gnomAD exomes 0.01679; gnomAD 0.01996 and 0.02059; TOPMed 0.02015.
gnomAD v4.1: 22,295 of 1,293,862 alleles (1.7%); highest among the groups gnomAD compares: African/African-American, 2.8%; 207 homozygotes.

Submissions (2):

GeneDx
Classification: Likely benign. Last evaluated: 2018-06-14. Review status: criteria provided, single submitter. Criteria: GeneDx Variant Classification (06012015). Collection method: clinical testing. Allele origin: germline. Affected: yes.
Comment: This variant is considered likely benign or benign based on one or more of the following criteria: it is a conservative change, it occurs at a poorly conserved position in the protein, it is predicted to be benign by multiple in silico algorithms, and/or has population frequency not consistent with disease.

Breakthrough Genomics
Classification: Likely benign. Review status: criteria provided, single submitter. Criteria: ACMG Guidelines, 2015. Collection method: not provided. Allele origin: germline. Inheritance: Autosomal recessive inheritance. Affected: yes.

NM_000090.4(COL3A1):c.1509+83C>T

Gene: COL3A1 (collagen type III alpha 1 chain; plus strand). Cytogenetic location: 2q32.2.
Variant type: single nucleotide variant.
Coding change: c.1509+83C>T on transcript NM_000090.4 (MANE Select); 83 bases into the intron after coding-DNA position 1509, C replaced by T.
Molecular consequence: intron variant.
Genome position (GRCh38, 1-based): chr2:188,995,182, C>T. VCF-style: chr2-188995182-C-T. GRCh37 (hg19) VCF-style: chr2-189859908-C-T.
Identifiers: ClinVar variation 673353 (VCV000673353.2), dbSNP rs41272839, ClinGen allele CA62596540.
Genomic context (GRCh38, chr2:188,995,182, plus strand): 5'-TTCCTAAATGCTAGCACCACAAATGGGCAGTTCTTGTATACAATTTCTCATTCATGAAAA[C>T]CTAAATATCTGAAGAATATATATTAGAGTTAAGAAAAATTCCTAATATAATGCATCCTCT-3'